The following is an entry in ClinVar:

NM_001386135.1(AFF3):c.3067A>G (p.Met1023Val)

Gene: AFF3 (ALF transcription elongation factor 3; minus strand). Cytogenetic location: 2q11.2.
Variant type: single nucleotide variant.
Coding change: c.3067A>G on transcript NM_001386135.1 (MANE Select); coding-DNA position 3067, A replaced by G.
Protein change: p.Met1023Val; replaces methionine 1023 with valine.
Molecular consequence: missense variant.
Genome position (GRCh38, 1-based): chr2:99,565,539, T>C on the plus strand (A>G on the coding strand, the complement: AFF3 is on the minus strand). VCF-style: chr2-99565539-T-C. GRCh37 (hg19) VCF-style: chr2-100182001-T-C.
Other names: c.3142A>G, p.Met1048Val (NM_001025108.2); c.3067A>G, p.Met1023Val (NM_002285.3); short protein forms M1023V, M1048V.
Identifiers: ClinVar variation 2651183 (VCV002651183.24), dbSNP rs1675878628, ClinGen allele CA347882581.

ClinVar aggregate classification (germline): Uncertain significance (1 of 4 stars; one submission).

Submission:

CeGaT Center for Human Genetics Tuebingen
Classification: Uncertain significance. Last evaluated: 2023-08-01. Review status: criteria provided, single submitter. Criteria: CeGaT Center For Human Genetics Tuebingen Variant Classification Criteria Version 2. Collection method: clinical testing. Allele origin: germline. Affected: yes. Observed: 1 variant allele.
Comment: AFF3: PM2, PP2, BP4